The following is an entry in ClinVar:

NM_006767.4(LZTR1):c.2369G>C (p.Arg790Pro)

Gene: LZTR1 (leucine zipper like post translational regulator 1; plus strand). Cytogenetic location: 22q11.21.
Variant type: single nucleotide variant.
Coding change: c.2369G>C on transcript NM_006767.4 (MANE Select); coding-DNA position 2369, G replaced by C.
Protein change: p.Arg790Pro; replaces arginine 790 with proline.
Molecular consequence: missense variant.
Genome position (GRCh38, 1-based): chr22:20,996,929, G>C. VCF-style: chr22-20996929-G-C. GRCh37 (hg19) VCF-style: chr22-21351218-G-C.
Other names: short protein forms R790P.
Identifiers: ClinVar variation 1790256 (VCV001790256.4), dbSNP rs555586109, ClinGen allele CA10119379.

ClinVar aggregate classification (germline): Uncertain significance. Review status: criteria provided, multiple submitters, no conflicts (2 of 4 stars). 3 submissions from 3 submitters: Uncertain significance (3). Last evaluated 2025-04-13.

Conditions:
Hereditary cancer-predisposing syndrome. Also called: Hereditary Cancer Syndrome; Hereditary neoplastic syndrome; Tumor predisposition; Neoplastic Syndromes, Hereditary. Identifiers: Orphanet 140162, MedGen C0027672, MeSH D009386, MONDO:0015356.
Cardiovascular phenotype. Identifiers: MedGen CN230736.
Noonan syndrome 10 (NS10). Identifiers: Orphanet 648, MedGen C4225280, MONDO:0014693, OMIM 616564.

Allele frequency attached by ClinVar (database versions not stated): gnomAD 0.00001; 1000 Genomes Project 30x 0.00016; 1000 Genomes Project 0.00020.

Submissions (3):

Labcorp Genetics (formerly Invitae), Labcorp
Classification: Uncertain significance. Last evaluated: 2025-04-13. Review status: criteria provided, single submitter. Criteria: Invitae Variant Classification Sherloc (09022015). Collection method: clinical testing. Allele origin: germline.
Comment: This sequence change replaces arginine, which is basic and polar, with proline, which is neutral and non-polar, at codon 790 of the LZTR1 protein (p.Arg790Pro). This variant is present in population databases (rs555586109, gnomAD 0.003%). This variant has not been reported in the literature in individuals affected with LZTR1-related conditions. ClinVar contains an entry for this variant (Variation ID: 1790256). Invitae Evidence Modeling of protein sequence and biophysical properties (such as structural, functional, and spatial information, amino acid conservation, physicochemical variation, residue mobility, and thermodynamic stability) indicates that this missense variant is not expected to disrupt LZTR1 protein function with a negative predictive value of 80%. In summary, the available evidence is currently insufficient to determine the role of this variant in disease. Therefore, it has been classified as a Variant of Uncertain Significance.

Ambry Genetics
Classification: Uncertain significance for Cardiovascular phenotype; Hereditary cancer-predisposing syndrome. Last evaluated: 2022-01-18. Review status: criteria provided, single submitter. Criteria: Ambry Variant Classification Scheme 2023. Collection method: clinical testing. Allele origin: germline.
Comment: The p.R790P variant (also known as c.2369G>C), located in coding exon 20 of the LZTR1 gene, results from a G to C substitution at nucleotide position 2369. The arginine at codon 790 is replaced by proline, an amino acid with dissimilar properties. This amino acid position is not well conserved in available vertebrate species. In addition, the in silico prediction for this alteration is inconclusive. Since supporting evidence is limited at this time, the clinical significance of this alteration remains unclear.

Neuberg Centre For Genomic Medicine, NCGM
Classification: Uncertain significance for Noonan syndrome 10. Review status: criteria provided, single submitter. Criteria: ACMG Guidelines, 2015. Collection method: clinical testing. Allele origin: germline. Inheritance: Autosomal dominant inheritance. Affected: yes.
Comment: The missense c.2369G>C p.Arg790Pro in LZTR1 gene has not been reported previously as a pathogenic variant nor as a benign variant, to our knowledge. This variant is reported with an allele frequency of 0.0004% in the gnomAD exomes database. This variant has been reported to the ClinVar database as Uncertain Significance. The amino acid change p.Arg790Pro in LZTR1 is predicted as conserved by GERP++ and PhyloP across 100 vertebrates. The amino acid Arg at position 790 is changed to a Pro changing protein sequence and it might alter its composition and physico-chemical properties. For these reasons, this variant has been classified as a Variant of Uncertain Significance VUS.